The following is an entry in ClinVar:

NM_152618.3(BBS12):c.1966C>A (p.Leu656Met)

Gene: BBS12 (Bardet-Biedl syndrome 12; plus strand). Cytogenetic location: 4q27.
Variant type: single nucleotide variant.
Coding change: c.1966C>A on transcript NM_152618.3 (MANE Select); coding-DNA position 1966, C replaced by A.
Protein change: p.Leu656Met; replaces leucine 656 with methionine.
Molecular consequence: missense variant.
Genome position (GRCh38, 1-based): chr4:122,743,858, C>A. VCF-style: chr4-122743858-C-A. GRCh37 (hg19) VCF-style: chr4-123665013-C-A.
Other names: c.1966C>A, p.Leu656Met (NM_001178007.2); c.1966C>A (NM_152618.2); short protein forms L656M.
Identifiers: ClinVar variation 1434407 (VCV001434407.9), dbSNP rs1800940804, ClinGen allele CA358226271.

ClinVar aggregate classification (germline): Uncertain significance. Review status: criteria provided, multiple submitters, no conflicts (2 of 4 stars). 3 submissions from 3 submitters: Uncertain significance (3). Last evaluated 2026-08-07.

Conditions:
Bardet-Biedl syndrome 12 (BBS12). Identifiers: Orphanet 110, MedGen C1859570, MONDO:0014440, OMIM 615989.
BBS12-related disorder. Also called: BBS12-related condition.
Bardet-Biedl syndrome (BBS). Identifiers: Orphanet 110, MedGen C0752166, MONDO:0015229.

Allele frequency attached by ClinVar (database versions not stated): gnomAD exomes below 0.00001; TOPMed below 0.00001.

Submissions (3):

PreventionGenetics, part of Exact Sciences
Classification: Uncertain significance for BBS12-related condition. Last evaluated: 2026-08-07. Review status: criteria provided, single submitter. Criteria: ACMG Guidelines, 2015. Collection method: clinical testing. Allele origin: germline.
Comment: The BBS12 c.1966C>A variant is predicted to result in the amino acid substitution p.Leu656Met. To our knowledge, this variant has not been reported in the literature or in a large population database (gnomAD), indicating this variant is rare. At this time, the clinical significance of this variant is uncertain due to the absence of conclusive functional and genetic evidence.

Fulgent Genetics
Classification: Uncertain significance for Bardet-Biedl syndrome 12. Last evaluated: 2024-01-20. Review status: criteria provided, single submitter. Criteria: ACMG Guidelines, 2015. Collection method: clinical testing. Allele origin: germline.

Labcorp Genetics (formerly Invitae), Labcorp
Classification: Uncertain significance for Bardet-Biedl syndrome. Last evaluated: 2022-07-05. Review status: criteria provided, single submitter. Criteria: Invitae Variant Classification Sherloc (09022015). Collection method: clinical testing. Allele origin: germline.
Comment: In summary, the available evidence is currently insufficient to determine the role of this variant in disease. Therefore, it has been classified as a Variant of Uncertain Significance. Algorithms developed to predict the effect of missense changes on protein structure and function are either unavailable or do not agree on the potential impact of this missense change (SIFT: "Tolerated"; PolyPhen-2: "Probably Damaging"; Align-GVGD: "Class C0"). ClinVar contains an entry for this variant (Variation ID: 1434407). This variant has not been reported in the literature in individuals affected with BBS12-related conditions. This variant is not present in population databases (gnomAD no frequency). This sequence change replaces leucine, which is neutral and non-polar, with methionine, which is neutral and non-polar, at codon 656 of the BBS12 protein (p.Leu656Met).